The following is an entry in ClinVar:

ClinVar aggregate classification (germline): Conflicting classifications of pathogenicity. Review status: criteria provided, conflicting classifications (1 of 4 stars). 6 submissions from 5 submitters: Uncertain significance (1); Benign (2); Likely benign (3). Last evaluated 2025-06-23.

Conditions:
Brain small vessel disease 1 with or without ocular anomalies (BSVD1). Also called: BRAIN SMALL VESSEL DISEASE WITH HEMORRHAGE; GOULD SYNDROME 1; Brain small vessel disease with or without ocular anomalies; PORENCEPHALY, TYPE 1, AUTOSOMAL DOMINANT. Identifiers: Orphanet 2940, Orphanet 36383, Orphanet 99810, MedGen C4755307, MONDO:0008289, OMIM 175780.
Autosomal dominant familial hematuria-retinal arteriolar tortuosity-contractures syndrome. Also called: Hereditary Angiopathy with Nephropathy, Aneurysms, and Muscle Cramps (HANAC) Syndrome; Angiopathy, hereditary, with nephropathy, aneurysms, and muscle cramps. Identifiers: Orphanet 73229, MedGen C2673195, MONDO:0012726, OMIM 611773.
Hemorrhage, intracerebral, susceptibility to (ICH). Also called: Stroke, hemorrhagic, susceptibility to. Identifiers: MedGen C3281105, MONDO:0100533, OMIM 614519.
Retinal arterial tortuosity. Also called: Retinal arteries, tortuosity of; RETINAL HEMORRHAGE WITH VASCULAR TORTUOSITY. Identifiers: Orphanet 75326, MedGen C0423401, MONDO:0008373, OMIM 180000, HP:0000631.
Microangiopathy and leukoencephalopathy, pontine, autosomal dominant. Also called: Pontine autosomal dominant microangiopathy with leukoencephalopathy; DEMENTIA, HEREDITARY MULTI-INFARCT, SWEDISH TYPE. Identifiers: Orphanet 477749, MedGen C5231411, MONDO:0032814, OMIM 618564.

Allele frequency attached by ClinVar (database versions not stated): gnomAD 0.00001; ExAC 0.00002; gnomAD exomes 0.00002; TOPMed 0.00002.
gnomAD v4.1: 31 of 1,614,046 alleles (0.0019%); highest among the groups gnomAD compares: East Asian, 0.0067%; 1 homozygote.

Submissions (6):

Labcorp Genetics (formerly Invitae), Labcorp
Classification: Likely benign. Last evaluated: 2025-06-23. Review status: criteria provided, single submitter. Criteria: Invitae Variant Classification Sherloc (09022015). Collection method: clinical testing. Allele origin: germline.

Blueprint Genetics
Classification: Likely benign. Last evaluated: 2024-06-10. Review status: criteria provided, single submitter. Criteria: ACMG Guidelines, 2015. Collection method: clinical testing. Allele origin: germline.

Fulgent Genetics
Classification: Uncertain significance for Brain small vessel disease 1 with or without ocular anomalies; Retinal arterial tortuosity; Autosomal dominant familial hematuria-retinal arteriolar tortuosity-contractures syndrome; Hemorrhage, intracerebral, susceptibility to; Microangiopathy and leukoencephalopathy, pontine, autosomal dominant. Last evaluated: 2024-04-06. Review status: criteria provided, single submitter. Criteria: ACMG Guidelines, 2015. Collection method: clinical testing. Allele origin: germline.

CeGaT Center for Human Genetics Tuebingen
Classification: Likely benign. Last evaluated: 2023-01-01. Review status: criteria provided, single submitter. Criteria: CeGaT Center For Human Genetics Tuebingen Variant Classification Criteria Version 2. Collection method: clinical testing. Allele origin: germline. Affected: yes. Observed: 1 variant allele.
Comment: COL4A1: BP4, BP7

Illumina Laboratory Services, Illumina
Classification: Benign for Brain small vessel disease 1 with or without ocular anomalies. Last evaluated: 2018-01-13. Review status: criteria provided, single submitter. Criteria: ICSL Variant Classification Criteria 13 December 2019. Collection method: clinical testing. Allele origin: germline.
Comment: This variant was observed in the ICSL laboratory as part of a predisposition screen in an ostensibly healthy population. It had not been previously curated by ICSL or reported in the Human Gene Mutation Database (HGMD: prior to June 1st, 2018), and was therefore a candidate for classification through an automated scoring system. Utilizing variant allele frequency, disease prevalence and penetrance estimates, and inheritance mode, an automated score was calculated to assess if this variant is too frequent to cause the disease. Based on the score and internal cut-off values, a variant classified as benign is not then subjected to further curation. The score for this variant resulted in a classification of benign for this disease.

Illumina Laboratory Services, Illumina
Classification: Benign for Autosomal dominant familial hematuria-retinal arteriolar tortuosity-contractures syndrome. Last evaluated: 2018-01-13. Review status: criteria provided, single submitter. Criteria: ICSL Variant Classification Criteria 13 December 2019. Collection method: clinical testing. Allele origin: germline.
Comment: the same text as in the submission from Illumina Laboratory Services, Illumina above.

NM_001845.6(COL4A1):c.2517G>A (p.Pro839=)

Gene: COL4A1 (collagen type IV alpha 1 chain; minus strand). Cytogenetic location: 13q34.
Variant type: single nucleotide variant.
Coding change: c.2517G>A on transcript NM_001845.6 (MANE Select); coding-DNA position 2517, G replaced by A.
Protein change: p.Pro839=; no amino-acid change (proline 839 retained).
Molecular consequence: synonymous variant.
Genome position (GRCh38, 1-based): chr13:110,178,173, C>T on the plus strand (G>A on the coding strand, the complement: COL4A1 is on the minus strand). VCF-style: chr13-110178173-C-T. GRCh37 (hg19) VCF-style: chr13-110830520-C-T.
Identifiers: ClinVar variation 764314 (VCV000764314.40), dbSNP rs773443475, ClinGen allele CA7047565.
Genomic context (GRCh38, chr13:110,178,173, plus strand): 5'-GAGCCCCGACTGTCCCGTTATGCCAGGGAGTCCTTGAGCCCCTTTATCTCCTTTAGGGCC[C>T]GGCATGTCCAGTCCAGGGAATCCGGGGAAACCCTTCTCTCCTTTTATTCCAGGAGGGCCT-3'
Protein context (NP_001836.3, residues 829-849): GFPGFPGLDM[Pro839=]GPKGDKGAQG